The following is an entry in ClinVar:

ClinVar aggregate classification (germline): Likely pathogenic (1 of 4 stars; one submission).

Submission:

Labcorp Genetics (formerly Invitae), Labcorp
Classification: Likely pathogenic. Last evaluated: 2019-05-04. Review status: criteria provided, single submitter. Criteria: Invitae Variant Classification Sherloc (09022015). Collection method: clinical testing. Allele origin: germline.
Comment: This variant has not been reported in the literature in individuals with PCDH15-related conditions. In summary, the currently available evidence indicates that the variant is pathogenic, but additional data are needed to prove that conclusively. Therefore, this variant has been classified as Likely Pathogenic. Donor and acceptor splice site variants typically lead to a loss of protein function (PMID: 16199547), and loss-of-function variants in PCDH15 are known to be pathogenic (PMID: 11398101, 11487575, 14570705). Algorithms developed to predict the effect of sequence changes on RNA splicing suggest that this variant may disrupt the consensus splice site, but this prediction has not been confirmed by published transcriptional studies. This variant is not present in population databases (ExAC no frequency). This sequence change affects an acceptor splice site in intron 6 of the PCDH15 gene. It is expected to disrupt RNA splicing and likely results in an absent or disrupted protein product.

Literature cited by the submitters: PubMed 16199547; PubMed 11398101; PubMed 11487575; PubMed 14570705.

NM_001384140.1(PCDH15):c.595-2A>C

Gene: PCDH15 (protocadherin related 15; minus strand). Cytogenetic location: 10q21.1.
Variant type: single nucleotide variant.
Coding change: c.595-2A>C on transcript NM_001384140.1 (MANE Select); the canonical splice acceptor site of the intron before coding-DNA position 595, A replaced by C.
Molecular consequence: splice acceptor variant. On other transcripts: intron variant (1).
Genome position (GRCh38, 1-based): chr10:54,329,708, T>G on the plus strand (A>C on the coding strand, the complement: PCDH15 is on the minus strand). VCF-style: chr10-54329708-T-G. GRCh37 (hg19) VCF-style: chr10-56089468-T-G.
Other names: c.595-2A>C (NM_001354420.2, NM_001354429.2, NM_001142772.2 and 7 more transcripts); c.610-2A>C (NM_001142771.2, NM_001142769.3, NM_001142763.2); c.529-2A>C (NM_001354404.2, NM_001142773.2, NM_001142768.2); c.595-12267A>C (NM_001142767.2).
Identifiers: ClinVar variation 945367 (VCV000945367.8), dbSNP rs1939028166, ClinGen allele CA376541360.
Genomic context (GRCh38, chr10:54,329,708, plus strand): 5'-TTCCTTAACACTATATTTCCAGTCAACATTAGGGGAATTTCAAAGGTGTCATTGGATGTC[T>G]GCAAATATTAAAGATACAGACTTCAGATTATTTGAATGTAAGATGAATTAATAACTCAAT-3'